The following is an entry in ClinVar:

NM_000363.5(TNNI3):c.580A>G (p.Asn194Asp)

Gene: TNNI3 (troponin I3, cardiac type; minus strand). Cytogenetic location: 19q13.42.
Variant type: single nucleotide variant.
Coding change: c.580A>G on transcript NM_000363.5 (MANE Select); coding-DNA position 580, A replaced by G.
Protein change: p.Asn194Asp; replaces asparagine 194 with aspartic acid.
Molecular consequence: missense variant.
Genome position (GRCh38, 1-based): chr19:55,151,887, T>C on the plus strand (A>G on the coding strand, the complement: TNNI3 is on the minus strand). VCF-style: chr19-55151887-T-C. GRCh37 (hg19) VCF-style: chr19-55663255-T-C.
Other names: short protein forms N194D.
Identifiers: ClinVar variation 1497094 (VCV001497094.8), dbSNP rs2147281708, ClinGen allele CA407439592.
Genomic context (GRCh38, chr19:55,151,887, plus strand): 5'-GGAAGGCTCAGCTCTCAAACTTTTTCTTGCGGCCCTCCATTCCACTCAGTGCATCGATGT[T>C]CTTGCGCCAGTCTCCCACCTCCCGGTTTTCCTGGAGGATGGCGATGAGTCAGAGGTTAGG-3'
Protein context (NP_000354.4, residues 184-204): ENREVGDWRK[Asn194Asp]IDALSGMEGR

ClinVar aggregate classification (germline): Uncertain significance (1 of 4 stars; one submission).

Conditions:
Hypertrophic cardiomyopathy. Also called: HYPERTROPHIC MYOCARDIOPATHY. Identifiers: Orphanet 217569, MedGen C0007194, MeSH D002312, MONDO:0005045, HP:0001639.

Submission:

Labcorp Genetics (formerly Invitae), Labcorp
Classification: Uncertain significance for Hypertrophic cardiomyopathy. Last evaluated: 2025-05-05. Review status: criteria provided, single submitter. Criteria: Invitae Variant Classification Sherloc (09022015). Collection method: clinical testing. Allele origin: germline.
Comment: This sequence change replaces asparagine, which is neutral and polar, with aspartic acid, which is acidic and polar, at codon 194 of the TNNI3 protein (p.Asn194Asp). This variant is not present in population databases (gnomAD no frequency). This variant has not been reported in the literature in individuals affected with TNNI3-related conditions. ClinVar contains an entry for this variant (Variation ID: 1497094). An algorithm developed to predict the effect of missense changes on protein structure and function (PolyPhen-2) suggests that this variant is likely to be disruptive. This variant disrupts the p.Asn194 amino acid residue in TNNI3. Other variant(s) that disrupt this residue have been observed in individuals with TNNI3-related conditions (PMID: 31568572; internal data), which suggests that this may be a clinically significant amino acid residue. In summary, the available evidence is currently insufficient to determine the role of this variant in disease. Therefore, it has been classified as a Variant of Uncertain Significance.

Literature cited by the submitters: PubMed 31568572.